The following is an entry in ClinVar:

NM_006662.3(SRCAP):c.4994C>T (p.Pro1665Leu)

Gene: SRCAP (Snf2 related CREBBP activator protein; plus strand). Cytogenetic location: 16p11.2.
Variant type: single nucleotide variant.
Coding change: c.4994C>T on transcript NM_006662.3 (MANE Select); coding-DNA position 4994, C replaced by T.
Protein change: p.Pro1665Leu; replaces proline 1665 with leucine.
Molecular consequence: missense variant.
Genome position (GRCh38, 1-based): chr16:30,724,418, C>T. VCF-style: chr16-30724418-C-T. GRCh37 (hg19) VCF-style: chr16-30735739-C-T.
Other names: c.4994C>T (NM_006662.2); short protein forms P1665L.
Identifiers: ClinVar variation 3712075 (VCV003712075.3).
Genomic context (GRCh38, chr16:30,724,418, plus strand): 5'-CTTCACCGGTACCAGCTCCAACCCCTGTGTTGGCTCCATCATCAACTCAAACTATGCTAC[C>T]AGCCCCGGTTCCGTCACCTCTCCCGAGCCCGGCTTCTACGCAGACACTGGCCCTAGCCCC-3'
Protein context (NP_006653.2, residues 1655-1675): LAPSSTQTML[Pro1665Leu]APVPSPLPSP

ClinVar aggregate classification (germline): Uncertain significance. Review status: criteria provided, multiple submitters, no conflicts (2 of 4 stars). 2 submissions from 2 submitters: Uncertain significance (2). Last evaluated 2025-09-29.

Conditions:
Inborn genetic diseases. Identifiers: MedGen C0950123, MeSH D030342.

gnomAD v4.1: 5 of 1,614,088 alleles (0.00031%); highest among the groups gnomAD compares: Admixed American, 0.0033%; no homozygotes.

Submissions (2):

Labcorp Genetics (formerly Invitae), Labcorp
Classification: Uncertain significance. Last evaluated: 2025-09-29. Review status: criteria provided, single submitter. Criteria: Invitae Variant Classification Sherloc (09022015). Collection method: clinical testing. Allele origin: germline.
Comment: This sequence change replaces proline, which is neutral and non-polar, with leucine, which is neutral and non-polar, at codon 1665 of the SRCAP protein (p.Pro1665Leu). This variant is not present in population databases (gnomAD no frequency). This variant has not been reported in the literature in individuals affected with SRCAP-related conditions. ClinVar contains an entry for this variant (Variation ID: 3712075). Invitae Evidence Modeling of protein sequence and biophysical properties (such as structural, functional, and spatial information, amino acid conservation, physicochemical variation, residue mobility, and thermodynamic stability) indicates that this missense variant is not expected to disrupt SRCAP protein function with a negative predictive value of 80%. In summary, the available evidence is currently insufficient to determine the role of this variant in disease. Therefore, it has been classified as a Variant of Uncertain Significance.

Ambry Genetics
Classification: Uncertain significance for Inborn genetic diseases. Last evaluated: 2025-03-28. Review status: criteria provided, single submitter. Criteria: Ambry Variant Classification Scheme 2023. Collection method: clinical testing. Allele origin: germline.